The following is an entry in ClinVar:

NM_001303052.2(MYT1L):c.3172+3G>A

Gene: MYT1L (myelin transcription factor 1 like; minus strand). Cytogenetic location: 2p25.3.
Variant type: single nucleotide variant.
Coding change: c.3172+3G>A on transcript NM_001303052.2 (MANE Select); 3 bases into the intron after coding-DNA position 3172, G replaced by A.
Molecular consequence: intron variant.
Genome position (GRCh38, 1-based): chr2:1,809,073, C>T on the plus strand (G>A on the coding strand, the complement: MYT1L is on the minus strand). VCF-style: chr2-1809073-C-T. GRCh37 (hg19) VCF-style: chr2-1812845-C-T.
Other names: c.3166+3G>A (NM_015025.4, NM_001329847.2, NM_001329848.1 and 3 more transcripts); c.3172+3G>A (NM_001329844.2, NM_001329845.1, NM_001329851.3).
Identifiers: ClinVar variation 1690672 (VCV001690672.2), dbSNP rs182939663, ClinGen allele CA1513854.

ClinVar aggregate classification (germline): Uncertain significance (1 of 4 stars; one submission).

Allele frequency attached by ClinVar (database versions not stated): gnomAD exomes 0.00001 and 0.00002; ExAC 0.00002; gnomAD 0.00009; TOPMed 0.00009; 1000 Genomes Project 0.00060; 1000 Genomes Project 30x 0.00062.
gnomAD v4.1: 22 of 1,613,830 alleles (0.0014%); highest among the groups gnomAD compares: African/African-American, 0.028%; no homozygotes.

Submission:

Laboratorio de Genetica e Diagnostico Molecular, Hospital Israelita Albert Einstein
Classification: Uncertain significance. Last evaluated: 2019-08-12. Review status: criteria provided, single submitter. Criteria: ACMG Guidelines, 2015. Collection method: clinical testing. Allele origin: germline. Affected: yes.
Comment: ACMG classification criteria: PM2